The following is an entry in ClinVar:

ClinVar aggregate classification (germline): Likely benign. Review status: criteria provided, multiple submitters, no conflicts (2 of 4 stars). 2 submissions from 2 submitters: Likely benign (2). Last evaluated 2023-10-11.

Conditions:
Heterotaxy, visceral, 5, autosomal (HTX5). Also called: Heterotaxy, visceral, 5. Identifiers: Orphanet 450, MedGen C3495537, MONDO:0700112, OMIM 270100.

Allele frequency attached by ClinVar (database versions not stated): ExAC below 0.00001; gnomAD exomes 0.00005 and 0.00014; ESP Exome Variant Server 0.00008; gnomAD 0.00009; TOPMed 0.00011.
gnomAD v4.1: 217 of 1,549,496 alleles (0.014%); highest among the groups gnomAD compares: Non-Finnish European, 0.017%; no homozygotes.

Submissions (2):

Labcorp Genetics (formerly Invitae), Labcorp
Classification: Likely benign for Heterotaxy, visceral, 5, autosomal. Last evaluated: 2023-10-11. Review status: criteria provided, single submitter. Criteria: Invitae Variant Classification Sherloc (09022015). Collection method: clinical testing. Allele origin: germline.

CeGaT Center for Human Genetics Tuebingen
Classification: Likely benign. Last evaluated: 2023-04-01. Review status: criteria provided, single submitter. Criteria: CeGaT Center For Human Genetics Tuebingen Variant Classification Criteria Version 2. Collection method: clinical testing. Allele origin: germline. Affected: yes. Observed: 1 variant allele.
Comment: NODAL: BP4, BP7

NM_018055.5(NODAL):c.9C>T (p.Ala3=)

Gene: NODAL (nodal growth differentiation factor; minus strand). Cytogenetic location: 10q22.1.
Variant type: single nucleotide variant.
Coding change: c.9C>T on transcript NM_018055.5 (MANE Select); coding-DNA position 9, C replaced by T.
Protein change: p.Ala3=; no amino-acid change (alanine 3 retained).
Molecular consequence: synonymous variant. On other transcripts: intron variant (1).
Genome position (GRCh38, 1-based): chr10:70,441,659, G>A on the plus strand (C>T on the coding strand, the complement: NODAL is on the minus strand). VCF-style: chr10-70441659-G-A. GRCh37 (hg19) VCF-style: chr10-72201415-G-A.
Other names: c.-206-5676C>T (NM_001329906.2).
Identifiers: ClinVar variation 473049 (VCV000473049.34), dbSNP rs376002393, ClinGen allele CA5537672.